The following is an entry in ClinVar:

NM_000414.4(HSD17B4):c.412A>G (p.Met138Val)

Gene: HSD17B4 (hydroxysteroid 17-beta dehydrogenase 4; plus strand). Cytogenetic location: 5q23.1.
Variant type: single nucleotide variant.
Coding change: c.412A>G on transcript NM_000414.4 (MANE Select); coding-DNA position 412, A replaced by G.
Protein change: p.Met138Val; replaces methionine 138 with valine.
Molecular consequence: missense variant. On other transcripts: initiator codon variant (4), 5 prime UTR variant (1), non-coding transcript variant (2).
Genome position (GRCh38, 1-based): chr5:119,477,479, A>G. VCF-style: chr5-119477479-A-G. GRCh37 (hg19) VCF-style: chr5-118813174-A-G.
Other names: c.487A>G, p.Met163Val (NM_001199291.3); c.358A>G, p.Met120Val (NM_001199292.2); c.340A>G, p.Met114Val (NM_001292027.2); c.1A>G, p.Met1Val (NM_001292028.2, NM_001374501.1, NM_001374502.1 and 1 more transcripts); c.412A>G, p.Met138Val (NM_001374497.1, NM_001374498.1); c.85A>G, p.Met29Val (NM_001374499.1); c.-127A>G (NM_001374500.1); short protein forms M114V, M120V, M138V, M163V, M1V, M29V.
Identifiers: ClinVar variation 3383830 (VCV003383830.1).

ClinVar aggregate classification (germline): Uncertain significance (1 of 4 stars; one submission).

Submission:

GeneDx
Classification: Uncertain significance. Last evaluated: 2024-05-31. Review status: criteria provided, single submitter. Criteria: GeneDx Variant Classification Process June 2021. Collection method: clinical testing. Allele origin: germline. Affected: yes.
Comment: Not observed at significant frequency in large population cohorts (gnomAD); In silico analysis supports that this missense variant has a deleterious effect on protein structure/function; Has not been previously published as pathogenic or benign to our knowledge